The following is an entry in ClinVar:

ClinVar aggregate classification (germline): Likely pathogenic (1 of 4 stars; one submission).

Submission:

GeneDx
Classification: Likely pathogenic. Last evaluated: 2017-08-17. Review status: criteria provided, single submitter. Criteria: GeneDx Variant Classification (06012015). Collection method: clinical testing. Allele origin: germline. Affected: yes.
Comment: The c.1052dupC variant in the COL4A1 gene has not been reported previously as a pathogenic variant nor as a benign variant, to our knowledge. The c.1052dupC variant causes a frameshift starting with codon Proline 352, changes this amino acid to a Serine residue, and creates a premature Stop codon at position 38 of the new reading frame, denoted p.Pro352SerfsX38. This variant is predicted to cause loss of normal protein function either through protein truncation or nonsense-mediated mRNA decay. The c.1052dupC variant is not observed in large population cohorts (Lek et al., 2016; 1000 Genomes Consortium et al., 2015; Exome Variant Server). We interpret c.1052dupC as a likely pathogenic variant.

NM_001845.6(COL4A1):c.1052dup (p.Pro352fs)

Gene: COL4A1 (collagen type IV alpha 1 chain; minus strand). Cytogenetic location: 13q34.
Variant type: Duplication.
Coding change: c.1052dup on transcript NM_001845.6 (MANE Select); coding-DNA position 1052, one base duplicated (C; older notation c.1052dupC).
Protein change: p.Pro352fs; shifts the reading frame from proline 352.
Molecular consequence: frameshift variant.
Genome position (GRCh38, 1-based): chr13:110,201,470, G duplicated on the plus strand (C on the coding strand, the reverse complement: COL4A1 is on the minus strand). VCF-style (leftmost placement, unchanged base first): chr13-110201469-A-AG. GRCh37 (hg19) VCF-style: chr13-110853816-A-AG.
Other names: c.1052dup, p.Pro352fs (NM_001303110.2); short protein forms P352fs.
Identifiers: ClinVar variation 451417 (VCV000451417.2), dbSNP rs1555305682, ClinGen allele CA658658239.
Genomic context (GRCh38, chr13:110,201,469, plus strand): 5'-AGGAGGGGGGAAAAAGGCAAGAAAGCTACCTTTTGGGCCTGGCTCTCCTCTTGGCCCCGG[A>AG]GTTCCAGGGTAGCCCCTCTCTCCTTTTTCTCCCAAAGGTCCTGTGCCTATAACCTGAATC-3'